The following is an entry in ClinVar:

ClinVar aggregate classification (germline): Uncertain significance (1 of 4 stars; one submission).

Conditions:
Ehlers-Danlos syndrome, kyphoscoliotic type 1 (EDSKSCL1). Also called: PLOD1-Related Kyphoscoliotic Ehlers-Danlos Syndrome; EHLERS-DANLOS SYNDROME, OCULAR-SCOLIOTIC TYPE; EHLERS-DANLOS SYNDROME, TYPE VIA; Ehlers-Danlos syndrome, hydroxylysine-deficient. Identifiers: Orphanet 1900, MedGen C0268342, MONDO:0016002, OMIM 225400. Disease mechanism: loss of function.

Submission:

Labcorp Genetics (formerly Invitae), Labcorp
Classification: Uncertain significance for Ehlers-Danlos syndrome, kyphoscoliotic type 1. Last evaluated: 2022-06-15. Review status: criteria provided, single submitter. Criteria: Invitae Variant Classification Sherloc (09022015). Collection method: clinical testing. Allele origin: germline.
Comment: In summary, the available evidence is currently insufficient to determine the role of this variant in disease. Therefore, it has been classified as a Variant of Uncertain Significance. Algorithms developed to predict the effect of missense changes on protein structure and function are either unavailable or do not agree on the potential impact of this missense change (SIFT: "Deleterious"; PolyPhen-2: "Benign"; Align-GVGD: "Class C0"). This variant has not been reported in the literature in individuals affected with PLOD1-related conditions. This variant is not present in population databases (gnomAD no frequency). This sequence change replaces histidine, which is basic and polar, with aspartic acid, which is acidic and polar, at codon 317 of the PLOD1 protein (p.His317Asp).

NM_000302.4(PLOD1):c.949C>G (p.His317Asp)

Gene: PLOD1 (procollagen-lysine,2-oxoglutarate 5-dioxygenase 1; plus strand). Cytogenetic location: 1p36.22.
Variant type: single nucleotide variant.
Coding change: c.949C>G on transcript NM_000302.4 (MANE Select); coding-DNA position 949, C replaced by G.
Protein change: p.His317Asp; replaces histidine 317 with aspartic acid.
Molecular consequence: missense variant.
Genome position (GRCh38, 1-based): chr1:11,958,621, C>G. VCF-style: chr1-11958621-C-G. GRCh37 (hg19) VCF-style: chr1-12018678-C-G.
Other names: c.1090C>G, p.His364Asp (NM_001316320.2); short protein forms H317D, H364D.
Identifiers: ClinVar variation 2007352 (VCV002007352.3), dbSNP rs1287367993, ClinGen allele CA338434905.